The following is an entry in ClinVar:

ClinVar aggregate classification (germline): Uncertain significance. Review status: criteria provided, multiple submitters, no conflicts (2 of 4 stars). 2 submissions from 2 submitters: Uncertain significance (2). Last evaluated 2024-07-19.

Conditions:
Aortic aneurysm, familial thoracic 8 (AAT8). Identifiers: MedGen C3809513, MONDO:0014187, OMIM 615436.
Familial thoracic aortic aneurysm and aortic dissection (TAAD). Also called: Thoracic aortic aneurysms and dissections. Identifiers: Orphanet 91387, MedGen C4707243, MONDO:0019625.

Submissions (2):

Labcorp Genetics (formerly Invitae), Labcorp
Classification: Uncertain significance for Aortic aneurysm, familial thoracic 8. Last evaluated: 2024-07-19. Review status: criteria provided, single submitter. Criteria: Invitae Variant Classification Sherloc (09022015). Collection method: clinical testing. Allele origin: germline.
Comment: This sequence change replaces histidine, which is basic and polar, with tyrosine, which is neutral and polar, at codon 256 of the PRKG1 protein (p.His256Tyr). This variant is not present in population databases (gnomAD no frequency). This variant has not been reported in the literature in individuals affected with PRKG1-related conditions. ClinVar contains an entry for this variant (Variation ID: 1760059). An algorithm developed to predict the effect of missense changes on protein structure and function (PolyPhen-2) suggests that this variant is likely to be tolerated. In summary, the available evidence is currently insufficient to determine the role of this variant in disease. Therefore, it has been classified as a Variant of Uncertain Significance.

Ambry Genetics
Classification: Uncertain significance for Familial thoracic aortic aneurysm and aortic dissection. Last evaluated: 2022-04-03. Review status: criteria provided, single submitter. Criteria: Ambry Variant Classification Scheme 2023. Collection method: clinical testing. Allele origin: germline.
Comment: The p.H256Y variant (also known as c.766C>T), located in coding exon 6 of the PRKG1 gene, results from a C to T substitution at nucleotide position 766. The histidine at codon 256 is replaced by tyrosine, an amino acid with similar properties. This amino acid position is conserved. In addition, this alteration is predicted to be deleterious by in silico analysis. Since supporting evidence is limited at this time, the clinical significance of this alteration remains unclear.

NM_006258.4(PRKG1):c.766C>T (p.His256Tyr)

Gene: PRKG1 (protein kinase cGMP-dependent 1; plus strand). Cytogenetic location: 10q21.1.
Variant type: single nucleotide variant.
Coding change: c.766C>T on transcript NM_006258.4 (MANE Select); coding-DNA position 766, C replaced by T.
Protein change: p.His256Tyr; replaces histidine 256 with tyrosine.
Molecular consequence: missense variant. On other transcripts: 5 prime UTR variant (1).
Genome position (GRCh38, 1-based): chr10:52,054,487, C>T. VCF-style: chr10-52054487-C-T. GRCh37 (hg19) VCF-style: chr10-53814247-C-T.
Other names: c.721C>T, p.His241Tyr (NM_001098512.3); c.-444C>T (NM_001374781.1); c.766C>T, p.His256Tyr (NM_001374782.1); short protein forms H256Y, H241Y.
Identifiers: ClinVar variation 1760059 (VCV001760059.4), dbSNP rs2494960380, ClinGen allele CA376533788.